The following is an entry in ClinVar:

NM_178012.5(TUBB2B):c.52_53delinsAA (p.Ala18Asn)

Gene: TUBB2B (tubulin beta 2B class IIb; minus strand). Cytogenetic location: 6p25.2.
Variant type: Indel.
Coding change: c.52_53delinsAA on transcript NM_178012.5 (MANE Select); coding-DNA positions 52 to 53, GC replaced by AA.
Protein change: p.Ala18Asn; replaces alanine 18 with asparagine.
Molecular consequence: missense variant.
Genome position (GRCh38, 1-based): chr6:3,227,491-3,227,492, GC replaced by TT on the plus strand (GC replaced by AA on the coding strand, the reverse complement: TUBB2B is on the minus strand). VCF-style: chr6-3227491-GC-TT. GRCh37 (hg19) VCF-style: chr6-3227725-GC-TT.
Other names: short protein forms A18N.
Identifiers: ClinVar variation 5017663 (VCV005017663.1).

ClinVar aggregate classification (germline): Uncertain significance (1 of 4 stars; one submission).

Submission:

GeneDx
Classification: Uncertain significance. Last evaluated: 2026-03-28. Review status: criteria provided, single submitter. Criteria: GeneDx Variant Classification Process June 2021. Collection method: clinical testing. Allele origin: germline.
Comment: Not observed at significant frequency in large population cohorts (gnomAD); In silico analysis suggests that this variant does not alter protein structure/function; Has not been previously published as pathogenic or benign to our knowledge; This variant is associated with the following publications: (PMID: 24860126)